The following is an entry in ClinVar:

ClinVar aggregate classification (germline): Uncertain significance (1 of 4 stars; one submission).

Submission:

Dasa
Classification: Uncertain significance. Last evaluated: 2024-10-22. Review status: criteria provided, single submitter. Criteria: DASA Assertion Criteria. Collection method: clinical testing. Allele origin: germline.
Comment: NM_001142569.3(INAVA):c.1264C>T (p.His422Tyr) is a missense variant that results in the substitution of histidine with tyrosine. This variant is rare in population databases. Computational prediction algorithms are consistent with a benign effect. The currently available literature and clinical evidence are not sufficient to establish a definitive association between this variant and the reported condition. Therefore, this variant is classified as a variant of uncertain significance.

NM_001142569.3(INAVA):c.1264C>T (p.His422Tyr)

Gene: INAVA (innate immunity activator; plus strand). Cytogenetic location: 1q32.1.
Variant type: single nucleotide variant.
Coding change: c.1264C>T on transcript NM_001142569.3 (MANE Select); coding-DNA position 1264, C replaced by T.
Protein change: p.His422Tyr; replaces histidine 422 with tyrosine.
Molecular consequence: missense variant.
Genome position (GRCh38, 1-based): chr1:200,911,757, C>T. VCF-style: chr1-200911757-C-T. GRCh37 (hg19) VCF-style: chr1-200880885-C-T.
Other names: c.1264C>T, p.His422Tyr (NM_001367289.1); c.727C>T, p.His243Tyr (NM_001367290.1); c.1519C>T, p.His507Tyr (NM_018265.4); short protein forms H243Y, H422Y, H507Y.
Identifiers: ClinVar variation 4885152 (VCV004885152.2).